The following is an entry in ClinVar:

NM_005908.4(MANBA):c.916del (p.Leu306fs)

Gene: MANBA (mannosidase beta; minus strand). Cytogenetic location: 4q24.
Variant type: Deletion.
Coding change: c.916del on transcript NM_005908.4 (MANE Select); coding-DNA position 916, one base deleted (C; older notation c.916delC).
Protein change: p.Leu306fs; shifts the reading frame from leucine 306.
Molecular consequence: frameshift variant.
Genome position (GRCh38, 1-based): chr4:102,689,618, G deleted on the plus strand (C on the coding strand, the reverse complement: MANBA is on the minus strand). VCF-style (leftmost placement, unchanged base first): chr4-102689617-AG-A. GRCh37 (hg19) VCF-style: chr4-103610774-AG-A.
Other names: short protein forms L306fs.
Identifiers: ClinVar variation 1723323 (VCV001723323.6), dbSNP rs1198947705, ClinGen allele CA553576554.

ClinVar aggregate classification (germline): Pathogenic/Likely pathogenic. Review status: criteria provided, multiple submitters, no conflicts (2 of 4 stars). 3 submissions from 3 submitters: Pathogenic (2); Likely pathogenic (1). Last evaluated 2025-10-23.

Conditions:
Beta-D-mannosidosis (MANSB). Also called: MANNOSIDOSIS, BETA A, LYSOSOMAL; BETA-MANNOSIDASE DEFICIENCY; LYSOSOMAL BETA-MANNOSIDASE DEFICIENCY; Beta-Mannosidosis. Identifiers: Orphanet 118, MedGen C4048196, MONDO:0009562, OMIM 248510.

Allele frequency attached by ClinVar (database versions not stated): gnomAD exomes below 0.00001.

Submissions (3):

Labcorp Genetics (formerly Invitae), Labcorp
Classification: Pathogenic for Beta-D-mannosidosis. Last evaluated: 2025-10-23. Review status: criteria provided, single submitter. Criteria: Invitae Variant Classification Sherloc (09022015). Collection method: clinical testing. Allele origin: germline.
Comment: This sequence change creates a premature translational stop signal (p.Leu306Phefs*8) in the MANBA gene. It is expected to result in an absent or disrupted protein product. Loss-of-function variants in MANBA are known to be pathogenic (PMID: 9384606, 12468273). This variant is present in population databases (no rsID available, gnomAD 0.003%). This variant has not been reported in the literature in individuals affected with MANBA-related conditions. ClinVar contains an entry for this variant (Variation ID: 1723323). For these reasons, this variant has been classified as Pathogenic.

Fulgent Genetics
Classification: Pathogenic for Beta-D-mannosidosis. Last evaluated: 2024-03-18. Review status: criteria provided, single submitter. Criteria: ACMG Guidelines, 2015. Collection method: clinical testing. Allele origin: germline.

Women's Health and Genetics/Laboratory Corporation of America, LabCorp
Classification: Likely pathogenic for Beta-D-mannosidosis. Last evaluated: 2022-10-15. Review status: criteria provided, single submitter. Criteria: LabCorp Variant Classification Summary - May 2015. Collection method: clinical testing. Allele origin: germline.
Comment: Variant summary: MANBA c.916delC (p.Leu306PhefsX8) results in a premature termination codon, predicted to cause a truncation of the encoded protein or absence of the protein due to nonsense mediated decay, which are commonly known mechanisms for disease. Truncations downstream of this position have been classified as pathogenic by our laboratory. The variant allele was found at a frequency of 4e-06 in 251050 control chromosomes (gnomAD). To our knowledge, no occurrence of c.916delC in individuals affected with Beta-Mannosidosis and no experimental evidence demonstrating its impact on protein function have been reported. No clinical diagnostic laboratories have submitted clinical-significance assessments for this variant to ClinVar after 2014. Based on the evidence outlined above, the variant was classified as likely pathogenic.

Literature cited by the submitters: PubMed 9384606 (cited by Labcorp Genetics (formerly Invitae), Labcorp); PubMed 12468273 (cited by Labcorp Genetics (formerly Invitae), Labcorp).